The following is an entry in ClinVar:

NM_000540.3(RYR1):c.3389G>A (p.Arg1130His)

Gene: RYR1 (ryanodine receptor 1; plus strand). Cytogenetic location: 19q13.2.
Variant type: single nucleotide variant.
Coding change: c.3389G>A on transcript NM_000540.3 (MANE Select); coding-DNA position 3389, G replaced by A.
Protein change: p.Arg1130His; replaces arginine 1130 with histidine.
Molecular consequence: missense variant.
Genome position (GRCh38, 1-based): chr19:38,468,973, G>A. VCF-style: chr19-38468973-G-A. GRCh37 (hg19) VCF-style: chr19-38959613-G-A.
Other names: c.3389G>A, p.Arg1130His (NM_001042723.2); short protein forms R1130H.
Identifiers: ClinVar variation 590513 (VCV000590513.13), dbSNP rs371498385, ClinGen allele CA064795.

ClinVar aggregate classification (germline): Uncertain significance. Review status: criteria provided, multiple submitters, no conflicts (2 of 4 stars). 7 submissions from 7 submitters: Uncertain significance (7). Last evaluated 2025-10-01.

Conditions:
RYR1-related disorder. Also called: RYR1-related disorders; RYR1-related condition. Identifiers: MedGen CN239331.
Central core myopathy (CMYO1A). Also called: CONGENITAL MYOPATHY 1A, AUTOSOMAL DOMINANT, WITH SUSCEPTIBILITY TO MALIGNANT HYPERTHERMIA; Central core disease; Myopathy, central fibrillar. Identifiers: Orphanet 597, MedGen C5830701, MONDO:0007294, OMIM 117000.
Congenital multicore myopathy with external ophthalmoplegia (CMYO1B). Also called: MULTIMINICORE DISEASE WITH EXTERNAL OPHTHALMOPLEGIA; Congenital myopathy 1B, autosomal recessive; Minicore myopathy; Minicore myopathy with external ophthalmoplegia; MULTICORE MYOPATHY. Identifiers: Orphanet 598, Orphanet 98905, MedGen C1850674, MONDO:0009712, OMIM 255320, HP:0003789.
Congenital myopathy with fiber type disproportion. Also called: Congenital fiber-type disproportion myopathy; Congenital fiber-type disproportion. Identifiers: Orphanet 2020, MedGen C0546264, MONDO:0009711. Inheritance: all.
Malignant hyperthermia, susceptibility to, 1 (MHS1). Also called: Anesthesia related hyperthermia; Malignant hyperpyrexia; Fulminating hyperpyrexia; Pharmacogenic myopathy; RYR1-Related Malignant Hyperthermia Susceptibility; Malignant hyperthermia suceptibility 1. Identifiers: Orphanet 423, MedGen C2930980, MONDO:0007783, OMIM 145600.
King Denborough syndrome (KDS). Identifiers: MedGen C1840365, MONDO:0020485, OMIM 619542.

Allele frequency attached by ClinVar (database versions not stated): ExAC 0.00006; gnomAD 0.00006; gnomAD exomes 0.00006; TOPMed 0.00006; ESP Exome Variant Server 0.00008; 1000 Genomes Project 30x 0.00016; 1000 Genomes Project 0.00020.
gnomAD v4.1: 52 of 1,614,052 alleles (0.0032%); highest among the groups gnomAD compares: African/African-American, 0.015%; no homozygotes.

Submissions (7):

GeneDx
Classification: Uncertain significance. Last evaluated: 2025-10-01. Review status: criteria provided, single submitter. Criteria: GeneDx Variant Classification Process June 2021. Collection method: clinical testing. Allele origin: germline. Affected: yes.
Comment: In silico analysis supports that this missense variant has a deleterious effect on protein structure/function; This variant is associated with the following publications: (PMID: Uzan_2025, 32236737)

Color Diagnostics, LLC DBA Color Health
Classification: Uncertain significance for Malignant hyperthermia, susceptibility to, 1. Last evaluated: 2025-07-01. Review status: criteria provided, single submitter. Criteria: ACMG Guidelines, 2015. Collection method: clinical testing. Allele origin: germline.
Comment: This missense variant replaces arginine with histidine at codon 1130 of the RYR1 protein. Computational prediction is inconclusive regarding the impact of this variant on protein structure and function. To our knowledge, functional studies have not been reported for this variant. This variant has not been reported in individuals affected with RYR1-related disorders in the literature. This variant has been identified in 16/282686 chromosomes in the general population by the Genome Aggregation Database (gnomAD). The available evidence is insufficient to determine the role of this variant in disease conclusively. Therefore, this variant is classified as a Variant of Uncertain Significance.

Labcorp Genetics (formerly Invitae), Labcorp
Classification: Uncertain significance for RYR1-related disorder. Last evaluated: 2025-03-04. Review status: criteria provided, single submitter. Criteria: Invitae Variant Classification Sherloc (09022015). Collection method: clinical testing. Allele origin: germline.
Comment: This sequence change replaces arginine, which is basic and polar, with histidine, which is basic and polar, at codon 1130 of the RYR1 protein (p.Arg1130His). This variant is present in population databases (rs371498385, gnomAD 0.02%). This missense change has been observed in individual(s) with clinical features of congenital myopathy (internal data). In at least one individual the data is consistent with being in trans (on the opposite chromosome) from a pathogenic variant. ClinVar contains an entry for this variant (Variation ID: 590513). Invitae Evidence Modeling of protein sequence and biophysical properties (such as structural, functional, and spatial information, amino acid conservation, physicochemical variation, residue mobility, and thermodynamic stability) has been performed for this missense variant. However, the output from this modeling did not meet the statistical confidence thresholds required to predict the impact of this variant on RYR1 protein function. In summary, the available evidence is currently insufficient to determine the role of this variant in disease. Therefore, it has been classified as a Variant of Uncertain Significance.

Revvity Omics, Revvity
Classification: Uncertain significance. Last evaluated: 2023-10-20. Review status: criteria provided, single submitter. Criteria: ACMG Guidelines, 2015. Collection method: clinical testing. Allele origin: germline.

Fulgent Genetics
Classification: Uncertain significance for Central core myopathy; Malignant hyperthermia, susceptibility to, 1; Congenital myopathy 4A, autosomal dominant; Congenital multicore myopathy with external ophthalmoplegia; King Denborough syndrome. Last evaluated: 2021-09-14. Review status: criteria provided, single submitter. Criteria: ACMG Guidelines, 2015. Collection method: clinical testing. Allele origin: unknown.

PreventionGenetics, part of Exact Sciences
Classification: Uncertain significance. Last evaluated: 2015-08-05. Review status: criteria provided, single submitter. Criteria: ACMG Guidelines, 2015. Collection method: clinical testing. Allele origin: germline.

Neuberg Centre For Genomic Medicine, NCGM
Classification: Uncertain significance for Central core myopathy. Review status: criteria provided, single submitter. Criteria: ACMG Guidelines, 2015. Collection method: clinical testing. Allele origin: germline. Inheritance: Autosomal recessive inheritance. Affected: yes.
Comment: The missense variant c.3389G>A (p.Arg1130His) in RYR1 gene has not been reported previously as a pathogenic variant nor as a benign variant, to our knowledge. This variant has been reported to the ClinVar database as Uncertain Significance. The p.Arg1130His variant is novel (not in any individuals) in 1000 Genomes and allele frequency of 0.005660% is reported in gnomAD. The amino acid Arg at position 1130 is changed to a His changing protein sequence and it might alter its composition and physico-chemical properties. The amino acid change p.Arg1130His in RYR1 is predicted as conserved by GERP++ and PhyloP across 100 vertebrates. For these reasons, this variant has been classified as Uncertain Significance .